The following is an entry in ClinVar:

ClinVar aggregate classification (germline): Uncertain significance (1 of 4 stars; one submission).

Allele frequency attached by ClinVar (database versions not stated): gnomAD exomes below 0.00001 and 0.00001.
gnomAD v4.1: 3 of 1,613,428 alleles (0.00019%); highest among the groups gnomAD compares: Non-Finnish European, 0.00025%; no homozygotes.

Submission:

ARUP Laboratories, Molecular Genetics and Genomics, ARUP Laboratories
Classification: Uncertain significance. Last evaluated: 2019-08-14. Review status: criteria provided, single submitter. Criteria: ARUP Molecular Germline Variant Investigation Process. Collection method: clinical testing. Allele origin: germline.
Comment: The TTN c.42646A>C; p.Lys14216Gln variant (rs1450576387) is rare in the general population (<1% allele frequency in the Genome Aggregation Database) and has not been reported in the medical literature in association with dilated cardiomyopathy (DCM) or other TTN-related disease. The clinical relevance of rare missense variants in this gene, which are identified on average once per individual sequenced in affected populations (Herman 2012), is not well understood. Yet, evidence suggests that the vast majority of such missense variants do not contribute to the clinical outcome of DCM (Begay 2015). Thus, the clinical significance of the p. Lys14216Gln variant cannot be determined with certainty.

NM_001267550.2(TTN):c.42646A>C (p.Lys14216Gln)

Gene: TTN (titin; minus strand). Cytogenetic location: 2q31.2.
Variant type: single nucleotide variant.
Coding change: c.42646A>C on transcript NM_001267550.2 (MANE Select); coding-DNA position 42646, A replaced by C.
Protein change: p.Lys14216Gln; replaces lysine 14216 with glutamine.
Molecular consequence: missense variant.
Genome position (GRCh38, 1-based): chr2:178,633,853, T>G on the plus strand (A>C on the coding strand, the complement: TTN is on the minus strand). VCF-style: chr2-178633853-T-G. GRCh37 (hg19) VCF-style: chr2-179498580-T-G.
Other names: c.37723A>C, p.Lys12575Gln (NM_001256850.1); c.15451A>C, p.Lys5151Gln (NM_003319.4); c.34942A>C, p.Lys11648Gln (NM_133378.4); c.15826A>C, p.Lys5276Gln (NM_133432.3); c.16027A>C, p.Lys5343Gln (NM_133437.4); short protein forms K11648Q, K12575Q, K14216Q, K5151Q, K5276Q, K5343Q.
Identifiers: ClinVar variation 993584 (VCV000993584.8), dbSNP rs1450576387, ClinGen allele CA349654366.
Genomic context (GRCh38, chr2:178,633,853, plus strand): 5'-CTGGTTATACTTGGTTACATTTACCTAAGACCTTCAGCTGTGCTGTGGAGCTCAGCTCCT[T>G]GACTTGAGCTTTTATCTGAGATATATCATCCAATGTCACTTCTTTCATTTCCAATTTGTG-3'
Protein context (NP_001254479.2, residues 14206-14226): DDISQIKAQV[Lys14216Gln]ELSSTAQLKV